The following is an entry in ClinVar:

ClinVar aggregate classification (germline): Uncertain significance. Review status: criteria provided, multiple submitters, no conflicts (2 of 4 stars). 3 submissions from 3 submitters: Uncertain significance (3). Last evaluated 2024-08-01.

Conditions:
Inborn genetic diseases. Identifiers: MedGen C0950123, MeSH D030342.

Allele frequency attached by ClinVar (database versions not stated): ExAC 0.00001; gnomAD 0.00001; TOPMed 0.00001.
gnomAD v4.1: 24 of 1,614,048 alleles (0.0015%); highest among the groups gnomAD compares: Admixed American, 0.012%; no homozygotes.

Submissions (3):

Labcorp Genetics (formerly Invitae), Labcorp
Classification: Uncertain significance. Last evaluated: 2024-08-01. Review status: criteria provided, single submitter. Criteria: Invitae Variant Classification Sherloc (09022015). Collection method: clinical testing. Allele origin: germline.
Comment: This sequence change replaces arginine, which is basic and polar, with cysteine, which is neutral and slightly polar, at codon 376 of the TTBK2 protein (p.Arg376Cys). This variant is present in population databases (rs759216076, gnomAD 0.006%). This variant has not been reported in the literature in individuals affected with TTBK2-related conditions. ClinVar contains an entry for this variant (Variation ID: 586777). Advanced modeling of protein sequence and biophysical properties (such as structural, functional, and spatial information, amino acid conservation, physicochemical variation, residue mobility, and thermodynamic stability) performed at Invitae indicates that this missense variant is not expected to disrupt TTBK2 protein function with a negative predictive value of 80%. In summary, the available evidence is currently insufficient to determine the role of this variant in disease. Therefore, it has been classified as a Variant of Uncertain Significance.

Ambry Genetics
Classification: Uncertain significance for Inborn genetic diseases. Last evaluated: 2023-06-16. Review status: criteria provided, single submitter. Criteria: Ambry Variant Classification Scheme 2023. Collection method: clinical testing. Allele origin: germline.

Athena Diagnostics
Classification: Uncertain significance. Last evaluated: 2018-02-26. Review status: criteria provided, single submitter. Criteria: Athena Diagnostics Criteria. Collection method: clinical testing. Allele origin: germline.

NM_173500.4(TTBK2):c.1126C>T (p.Arg376Cys)

Gene: TTBK2 (tau tubulin kinase 2; minus strand). Cytogenetic location: 15q15.2.
Variant type: single nucleotide variant.
Coding change: c.1126C>T on transcript NM_173500.4 (MANE Select); coding-DNA position 1126, C replaced by T.
Protein change: p.Arg376Cys; replaces arginine 376 with cysteine.
Molecular consequence: missense variant.
Genome position (GRCh38, 1-based): chr15:42,783,490, G>A on the plus strand (C>T on the coding strand, the complement: TTBK2 is on the minus strand). VCF-style: chr15-42783490-G-A. GRCh37 (hg19) VCF-style: chr15-43075688-G-A.
Other names: short protein forms R376C.
Identifiers: ClinVar variation 586777 (VCV000586777.6), dbSNP rs759216076, ClinGen allele CA7516963.
Genomic context (GRCh38, chr15:42,783,490, plus strand): 5'-CAAGCTTTATCTTGTTTTTGTTGGCATCCATCTCTTCCCAAACATCCTTCTCCTGGGGAC[G>A]GGGGTGTCCCAGAGATCCAGGCAATTTATCTGGTGACACACCAACAGGGATGCCATTTTC-3'
Protein context (NP_775771.3, residues 366-386): DKLPGSLGHP[Arg376Cys]PQEKDVWEEM